The following is an entry in ClinVar:

NM_001164508.2(NEB):c.9576del (p.Glu3193fs)

Gene: NEB (nebulin; minus strand). Cytogenetic location: 2q23.3.
Variant type: Deletion.
Coding change: c.9576del on transcript NM_001164508.2 (MANE Select); coding-DNA position 9576, one base deleted (A; older notation c.9576delA).
Protein change: p.Glu3193fs; shifts the reading frame from glutamic acid 3193.
Molecular consequence: frameshift variant. On other transcripts: intron variant (1).
Genome position (GRCh38, 1-based): chr2:151,631,185, T deleted on the plus strand (A on the coding strand, the reverse complement: NEB is on the minus strand). VCF-style (leftmost placement, unchanged base first): chr2-151631184-CT-C. GRCh37 (hg19) VCF-style: chr2-152487698-CT-C.
Other names: c.9576delA (NM_001271208.1); c.9576del, p.Glu3193fs (NM_001164507.2, NM_001271208.2); c.8854-7del (NM_004543.5); c.9576del (NM_001271208.1); short protein forms E3193fs.
Identifiers: ClinVar variation 552221 (VCV000552221.3), dbSNP rs1553938571, ClinGen allele CA658821406.
Genomic context (GRCh38, chr2:151,631,184, plus strand): 5'-TAAGGCAGCTAGGACTCACCTTATTCATGTTGAGAGCATTGTTCTTGGCCAGCACCTGCT[CT>C]AGAGAATCAGTCACACTGGTAAATTTCAGCTTGTCCGGAGGCTGGCGGTAGATGTTATCA-3'

ClinVar aggregate classification (germline): Likely pathogenic. Review status: criteria provided, single submitter (1 of 4 stars). 2 submissions from 2 submitters: Likely pathogenic (1). 1 of the submissions does not count toward it. Last evaluated 2025-07-29.

Conditions:
Nemaline myopathy 2 (NEM2). Also called: Nemaline myopathy 2, autosomal recessive. Identifiers: MedGen C1850569, MONDO:0009725, OMIM 256030.

Submissions (2):

Natera, Inc.
Classification: Likely pathogenic for Nemaline myopathy type 2. Last evaluated: 2025-07-29. Review status: criteria provided, single submitter. Criteria: Natera Variant Classification Schema (03/2026). Collection method: clinical testing. Allele origin: germline.
Comment: The c.9576del variant in NEB is a frameshift variant predicted to shift the reading frame beginning at codon 3193 and leads to a stop codon 12 codons downstream. This variant is expected to result in nonsense mediated decay, truncation, or a dysfunctional protein product. This variant is rare in the general population with a frequency below the threshold expected for the associated phenotype(s). Given the available evidence, this variant is classified as Likely Pathogenic.

Counsyl
Classification: Likely pathogenic for Nemaline myopathy 2. Last evaluated: 2017-05-30. Review status: no assertion criteria provided. Collection method: clinical testing. Allele origin: unknown. Not counted in ClinVar's aggregate classification.